The following is an entry in ClinVar:

NM_004608.4(TBX6):c.1018_1019del (p.Leu340fs)

Gene: TBX6 (T-box transcription factor 6; minus strand). Cytogenetic location: 16p11.2.
Variant type: Microsatellite.
Coding change: c.1018_1019del on transcript NM_004608.4 (MANE Select); coding-DNA positions 1018 to 1019, 2 bases deleted (CT; older notation c.1018_1019delCT).
Protein change: p.Leu340fs; shifts the reading frame from leucine 340.
Molecular consequence: frameshift variant.
Genome position (GRCh38, 1-based): chr16:30,086,590-30,086,591, AG deleted on the plus strand (CT on the coding strand, the reverse complement: TBX6 is on the minus strand); deleting any 2 consecutive bases within chr16:30,086,590-30,086,593 gives the same sequence; the c. name uses the placement nearest the transcript's 3' end. VCF-style (leftmost placement, unchanged base first): chr16-30086589-CAG-C. GRCh37 (hg19) VCF-style: chr16-30097910-CAG-C.
Other names: short protein forms L340fs.
Identifiers: ClinVar variation 1705370 (VCV001705370.3), dbSNP rs2072634304, ClinGen allele CA622166535.

ClinVar aggregate classification (germline): Pathogenic/Likely pathogenic. Review status: criteria provided, multiple submitters, no conflicts (2 of 4 stars). 3 submissions from 3 submitters: Pathogenic (2); Likely pathogenic (1). Last evaluated 2024-02-13.

Conditions:
Spondylocostal dysostosis 5 (SCDO5). Also called: SCOLIOSIS, CONGENITAL, WITH OR WITHOUT RIB ANOMALIES. Identifiers: MedGen C4083048, MONDO:0007389, OMIM 122600.

Submissions (3):

GeneDx
Classification: Likely pathogenic. Last evaluated: 2024-02-13. Review status: criteria provided, single submitter. Criteria: GeneDx Variant Classification Process June 2021. Collection method: clinical testing. Allele origin: germline. Affected: yes.
Comment: Frameshift variant predicted to result in protein truncation or nonsense mediated decay in a gene for which loss of function is a known mechanism of disease; Not observed at significant frequency in large population cohorts (gnomAD); Observed in an individual with right renal agenesis in published literature (PMID: 32450157); This variant is associated with the following publications: (PMID: 32450157)

Daryl Scott Lab, Baylor College of Medicine
Classification: Pathogenic for Spondylocostal dysostosis 5. Last evaluated: 2024-01-01. Review status: criteria provided, single submitter. Criteria: ACMG Guidelines, 2015. Collection method: clinical testing. Allele origin: paternal. Affected: yes. Observed: 1 heterozygote.
Comment: PVS1, PM2

3billion
Classification: Pathogenic for Spondylocostal dysostosis 5. Last evaluated: 2022-09-01. Review status: criteria provided, single submitter. Criteria: ACMG Guidelines, 2015. Collection method: clinical testing. Allele origin: germline. Affected: yes. Observed: 1 heterozygote.
Comment: The variant is not observed in the gnomAD v2.1.1 dataset. Frameshift variant is predicted to result in a loss or disruption of normal protein function through nonsense-mediated decay (NMD) or protein truncation. Multiple pathogenic variants are reported downstream of the variant. The variant has been reported to be associated with TBX6-related disorder (PMID: 32450157). Therefore, this variant is classified as Pathogenic according to the recommendation of ACMG/AMP guideline.

Literature cited by the submitters: PubMed 32450157 (cited by 3billion).